The following is an entry in ClinVar:

NM_003839.4(TNFRSF11A):c.793G>A (p.Gly265Ser)

Gene: TNFRSF11A (TNF receptor superfamily member 11a; plus strand). Cytogenetic location: 18q21.33.
Variant type: single nucleotide variant.
Coding change: c.793G>A on transcript NM_003839.4 (MANE Select); coding-DNA position 793, G replaced by A.
Protein change: p.Gly265Ser; replaces glycine 265 with serine.
Molecular consequence: missense variant. On other transcripts: intron variant (3).
Genome position (GRCh38, 1-based): chr18:62,368,710, G>A. VCF-style: chr18-62368710-G-A. GRCh37 (hg19) VCF-style: chr18-60035943-G-A.
Other names: c.751G>A, p.Gly251Ser (NM_001278268.2); c.783+1950G>A (NM_001270949.2); c.730+6917G>A (NM_001270950.2); c.616+8661G>A (NM_001270951.2); short protein forms G251S, G265S.
Identifiers: ClinVar variation 888936 (VCV000888936.9), dbSNP rs1249788220, ClinGen allele CA402615780.

ClinVar aggregate classification (germline): Uncertain significance. Review status: criteria provided, multiple submitters, no conflicts (2 of 4 stars). 3 submissions from 2 submitters: Uncertain significance (3). Last evaluated 2023-12-22.

Conditions:
Autosomal recessive osteopetrosis 7. Identifiers: Orphanet 178389, MedGen C2676766, MONDO:0012859, OMIM 612301.
Paget disease of bone 2, early-onset (PDB2). Also called: Paget disease of bone 2. Identifiers: MedGen C4085251, MONDO:0011183, OMIM 602080.

Allele frequency attached by ClinVar (database versions not stated): gnomAD 0.00001; gnomAD exomes 0.00001.
gnomAD v4.1: 11 of 1,614,230 alleles (0.00068%); highest among the groups gnomAD compares: Non-Finnish European, 0.00093%; no homozygotes.

Submissions (3):

Labcorp Genetics (formerly Invitae), Labcorp
Classification: Uncertain significance. Last evaluated: 2023-12-22. Review status: criteria provided, single submitter. Criteria: Invitae Variant Classification Sherloc (09022015). Collection method: clinical testing. Allele origin: germline.
Comment: This sequence change replaces glycine, which is neutral and non-polar, with serine, which is neutral and polar, at codon 265 of the TNFRSF11A protein (p.Gly265Ser). This variant is not present in population databases (gnomAD no frequency). This variant has not been reported in the literature in individuals affected with TNFRSF11A-related conditions. ClinVar contains an entry for this variant (Variation ID: 888936). Algorithms developed to predict the effect of missense changes on protein structure and function output the following: SIFT: "Not Available"; PolyPhen-2: "Benign"; Align-GVGD: "Not Available". The serine amino acid residue is found in multiple mammalian species, which suggests that this missense change does not adversely affect protein function. In summary, the available evidence is currently insufficient to determine the role of this variant in disease. Therefore, it has been classified as a Variant of Uncertain Significance.

Illumina Laboratory Services, Illumina
Classification: Uncertain significance for Autosomal recessive osteopetrosis 7. Last evaluated: 2018-01-13. Review status: criteria provided, single submitter. Criteria: ICSL Variant Classification Criteria 13 December 2019. Collection method: clinical testing. Allele origin: germline.

Illumina Laboratory Services, Illumina
Classification: Uncertain significance for Paget disease of bone 2, early-onset. Last evaluated: 2018-01-13. Review status: criteria provided, single submitter. Criteria: ICSL Variant Classification Criteria 13 December 2019. Collection method: clinical testing. Allele origin: germline.